The following is an entry in ClinVar:

ClinVar aggregate classification (germline): Uncertain significance (1 of 4 stars; one submission).

Submission:

Labcorp Genetics (formerly Invitae), Labcorp
Classification: Uncertain significance. Last evaluated: 2022-04-28. Review status: criteria provided, single submitter. Criteria: Invitae Variant Classification Sherloc (09022015). Collection method: clinical testing. Allele origin: germline.
Comment: This sequence change replaces threonine, which is neutral and polar, with asparagine, which is neutral and polar, at codon 1588 of the SI protein (p.Thr1588Asn). This variant is not present in population databases (gnomAD no frequency). This variant has not been reported in the literature in individuals affected with SI-related conditions. Algorithms developed to predict the effect of missense changes on protein structure and function output the following: SIFT: "Tolerated"; PolyPhen-2: "Benign"; Align-GVGD: "Class C0". The asparagine amino acid residue is found in multiple mammalian species, which suggests that this missense change does not adversely affect protein function. In summary, the available evidence is currently insufficient to determine the role of this variant in disease. Therefore, it has been classified as a Variant of Uncertain Significance.

NM_001041.4(SI):c.4763C>A (p.Thr1588Asn)

Gene: SI (sucrase-isomaltase; minus strand). Cytogenetic location: 3q26.1.
Variant type: single nucleotide variant.
Coding change: c.4763C>A on transcript NM_001041.4 (MANE Select); coding-DNA position 4763, C replaced by A.
Protein change: p.Thr1588Asn; replaces threonine 1588 with asparagine.
Molecular consequence: missense variant.
Genome position (GRCh38, 1-based): chr3:164,994,335, G>T on the plus strand (C>A on the coding strand, the complement: SI is on the minus strand). VCF-style: chr3-164994335-G-T. GRCh37 (hg19) VCF-style: chr3-164712123-G-T.
Other names: short protein forms T1588N.
Identifiers: ClinVar variation 2131463 (VCV002131463.4), dbSNP rs953874348, ClinGen allele CA355028993.